The following is an entry in ClinVar:

ClinVar aggregate classification (germline): Uncertain significance (1 of 4 stars; one submission).

Submission:

GeneDx
Classification: Uncertain significance. Last evaluated: 2024-01-03. Review status: criteria provided, single submitter. Criteria: GeneDx Variant Classification Process June 2021. Collection method: clinical testing. Allele origin: germline. Affected: yes.
Comment: Has not been previously published as pathogenic or benign to our knowledge; In silico analysis supports that this missense variant has a deleterious effect on protein structure/function; Not observed at significant frequency in large population cohorts (gnomAD)

NM_021120.4(DLG3):c.806A>T (p.Asp269Val)

Gene: DLG3 (discs large MAGUK scaffold protein 3; plus strand). Cytogenetic location: Xq13.1.
Variant type: single nucleotide variant.
Coding change: c.806A>T on transcript NM_021120.4 (MANE Select); coding-DNA position 806, A replaced by T.
Protein change: p.Asp269Val; replaces aspartic acid 269 with valine.
Molecular consequence: missense variant.
Genome position (GRCh38, 1-based): chrX:70,450,271, A>T. VCF-style: chrX-70450271-A-T. GRCh37 (hg19) VCF-style: chrX-69670121-A-T.
Other names: short protein forms D269V.
Identifiers: ClinVar variation 3367303 (VCV003367303.1).